The following is an entry in ClinVar:

ClinVar aggregate classification (germline): Likely benign (1 of 4 stars; one submission).

Submission:

CeGaT Center for Human Genetics Tuebingen
Classification: Likely benign. Last evaluated: 2024-02-01. Review status: criteria provided, single submitter. Criteria: CeGaT Center For Human Genetics Tuebingen Variant Classification Criteria Version 2. Collection method: clinical testing. Allele origin: germline. Affected: yes. Observed: 2 variant alleles.
Comment: HFE: PM2:Supporting, BP4, BP7

NM_000410.4(HFE):c.579G>A (p.Gln193=)

Gene: HFE (homeostatic iron regulator; plus strand). Cytogenetic location: 6p22.2.
Variant type: single nucleotide variant.
Coding change: c.579G>A on transcript NM_000410.4 (MANE Select); coding-DNA position 579, G replaced by A.
Protein change: p.Gln193=; no amino-acid change (glutamine 193 retained).
Molecular consequence: synonymous variant. On other transcripts: intron variant (4).
Genome position (GRCh38, 1-based): chr6:26,091,552, G>A. VCF-style: chr6-26091552-G-A. GRCh37 (hg19) VCF-style: chr6-26091780-G-A.
Other names: c.579G>A, p.Gln193= (NM_001300749.3, NM_001384164.1, NM_001406751.1 and 1 more transcripts); c.315G>A, p.Gln105= (NM_001406752.1, NM_139007.3, NM_139008.3); c.510G>A, p.Gln170= (NM_139009.3); c.340+448G>A (NM_139004.3, NM_139003.3); c.77-1133G>A (NM_139010.3); c.77-1567G>A (NM_139011.3).
Identifiers: ClinVar variation 2656295 (VCV002656295.24), dbSNP rs2481608604, ClinGen allele CA448986922.